The following is an entry in ClinVar:

NM_001375524.1(TRRAP):c.5545C>A (p.His1849Asn)

Gene: TRRAP (transformation/transcription domain associated protein; plus strand). Cytogenetic location: 7q22.1.
Variant type: single nucleotide variant.
Coding change: c.5545C>A on transcript NM_001375524.1 (MANE Select); coding-DNA position 5545, C replaced by A.
Protein change: p.His1849Asn; replaces histidine 1849 with asparagine.
Molecular consequence: missense variant.
Genome position (GRCh38, 1-based): chr7:98,953,248, C>A. VCF-style: chr7-98953248-C-A. GRCh37 (hg19) VCF-style: chr7-98550871-C-A.
Other names: c.5524C>A, p.His1842Asn (NM_001244580.2); c.5470C>A, p.His1824Asn (NM_003496.4); short protein forms H1842N, H1849N, H1824N.
Identifiers: ClinVar variation 2777551 (VCV002777551.4), dbSNP rs201533147, ClinGen allele CA163091710.

ClinVar aggregate classification (germline): Uncertain significance. Review status: criteria provided, multiple submitters, no conflicts (2 of 4 stars). 2 submissions from 2 submitters: Uncertain significance (2). Last evaluated 2023-03-07.

Allele frequency attached by ClinVar (database versions not stated): gnomAD exomes below 0.00001; gnomAD 0.00001; 1000 Genomes Project 0.00020; 1000 Genomes Project 30x 0.00031.
gnomAD v4.1: 3 of 1,613,626 alleles (0.00019%); highest among the groups gnomAD compares: East Asian, 0.0045%; no homozygotes.

Submissions (2):

Labcorp Genetics (formerly Invitae), Labcorp
Classification: Uncertain significance. Last evaluated: 2023-03-07. Review status: criteria provided, single submitter. Criteria: Invitae Variant Classification Sherloc (09022015). Collection method: clinical testing. Allele origin: germline.
Comment: In summary, the available evidence is currently insufficient to determine the role of this variant in disease. Therefore, it has been classified as a Variant of Uncertain Significance. Advanced modeling of protein sequence and biophysical properties (such as structural, functional, and spatial information, amino acid conservation, physicochemical variation, residue mobility, and thermodynamic stability) performed at Invitae indicates that this missense variant is not expected to disrupt TRRAP protein function. This variant has not been reported in the literature in individuals affected with TRRAP-related conditions. This variant is not present in population databases (gnomAD no frequency). This sequence change replaces histidine, which is basic and polar, with asparagine, which is neutral and polar, at codon 1824 of the TRRAP protein (p.His1824Asn).

Blueprint Genetics
Classification: Uncertain significance. Last evaluated: 2021-06-17. Review status: criteria provided, single submitter. Criteria: ACMG Guidelines, 2015. Collection method: clinical testing. Allele origin: germline.